The following is an entry in ClinVar:

ClinVar aggregate classification (germline): Pathogenic (1 of 4 stars; one submission).

Submission:

Labcorp Genetics (formerly Invitae), Labcorp
Classification: Pathogenic. Last evaluated: 2025-09-13. Review status: criteria provided, single submitter. Criteria: Invitae Variant Classification Sherloc (09022015). Collection method: clinical testing. Allele origin: germline.
Comment: This sequence change creates a premature translational stop signal (p.Lys1232Serfs*22) in the FLNB gene. It is expected to result in an absent or disrupted protein product. Loss-of-function variants in FLNB are known to be pathogenic (PMID: 14991055). This variant is not present in population databases (gnomAD no frequency). This variant has not been reported in the literature in individuals affected with FLNB-related conditions. ClinVar contains an entry for this variant (Variation ID: 2119358). For these reasons, this variant has been classified as Pathogenic.

Literature cited by the submitters: PubMed 14991055.

NM_001457.4(FLNB):c.3695_3696del (p.Lys1232fs)

Gene: FLNB (filamin B; plus strand). Cytogenetic location: 3p14.3.
Variant type: Deletion.
Coding change: c.3695_3696del on transcript NM_001457.4 (MANE Select); coding-DNA positions 3695 to 3696, 2 bases deleted (AA; older notation c.3695_3696delAA).
Protein change: p.Lys1232fs; shifts the reading frame from lysine 1232.
Molecular consequence: frameshift variant.
Genome position (GRCh38, 1-based): chr3:58,123,661-58,123,662, AA deleted; deleting any 2 consecutive bases within chr3:58,123,660-58,123,662 gives the same sequence; the c. name uses the placement nearest the transcript's 3' end. VCF-style (leftmost placement, unchanged base first): chr3-58123659-CAA-C. GRCh37 (hg19) VCF-style: chr3-58109386-CAA-C.
Other names: c.3695_3696del, p.Lys1232fs (NM_001164317.2, NM_001164318.2, NM_001164319.2); short protein forms K1232fs.
Identifiers: ClinVar variation 2119358 (VCV002119358.4), dbSNP rs2471124965, ClinGen allele CA2580070381.